The following is an entry in ClinVar:

ClinVar aggregate classification (germline): Pathogenic (1 of 4 stars; one submission).

Conditions:
Bardet-Biedl syndrome 1 (BBS1). Identifiers: MedGen C2936862, MONDO:0008854, OMIM 209900. Disease mechanism: loss of function.

Submission:

Myriad Genetics, Inc.
Classification: Pathogenic for Bardet-Biedl syndrome 1. Last evaluated: 2026-05-07. Review status: criteria provided, single submitter. Criteria: Myriad Autosomal Dominant, Autosomal Recessive and X-Linked Classification Criteria (2023). Collection method: clinical testing. Allele origin: unknown.
Comment: NM_024649.4(BBS1):c.635_636ins28(E213Gfs*9) is a frameshift variant classified as pathogenic in the context of Bardet-Biedl syndrome, BBS1-related. E213Gfs*9 has not been observed in cases with relevant disease. Relevant functional assessments of this variant are not available in the literature. E213Gfs*9 has not been observed in referenced population frequency databases. In summary, NM_024649.4(BBS1):c.635_636ins28(E213Gfs*9) is a frameshift variant in a gene where loss of function is a known mechanism of disease and is predicted to disrupt protein function. Please note: this variant was assessed in the context of healthy population screening.

NM_024649.5(BBS1):c.635_636insTGGCCACCTTGAAGAAGAACCTGGCTGA (p.Asp212_Glu213insGlyHisLeuGluGluGluProGlyTer)

Gene: BBS1 (Bardet-Biedl syndrome 1; plus strand). Cytogenetic location: 11q13.2.
Variant type: Insertion.
Coding change: c.635_636insTGGCCACCTTGAAGAAGAACCTGGCTGA on transcript NM_024649.5 (MANE Select); coding-DNA positions 635 to 636, TGGCCACCTTGAAGAAGAACCTGGCTGA inserted.
Protein change: p.Asp212_Glu213insGlyHisLeuGluGluGluProGlyTer.
Molecular consequence: nonsense, inframe insertion.
Genome position: GRCh38 VCF-style: chr11-66519635-A-ACCACCTTGAAGAAGAACCTGGCTGATGG. GRCh37 (hg19) VCF-style: chr11-66287106-A-ACCACCTTGAAGAAGAACCTGGCTGATGG.
Identifiers: ClinVar variation 5004649 (VCV005004649.1).
Genomic context (GRCh38, chr11:66,519,635, plus strand): 5'-TGTGTGGAGGTTCCCTGGGTGACCCCTGGAGTCCTTCTGTAGACAGTCATCACCACCATG[A>ACCACCTTGAAGAAGAACCTGGCTGATGG]CCACCTTGAAGAAGAACCTGGCTGACGAGGATGCTGTGTCTTGCCTGGTGCTGGGCACCG-3'